The following is an entry in ClinVar:

ClinVar aggregate classification (germline): Pathogenic (1 of 4 stars; one submission).

Conditions:
Congenital glaucoma. Identifiers: MedGen C0020302, MONDO:0020366.

Submission:

Labcorp Genetics (formerly Invitae), Labcorp
Classification: Pathogenic for Congenital glaucoma. Last evaluated: 2023-10-15. Review status: criteria provided, single submitter. Criteria: Invitae Variant Classification Sherloc (09022015). Collection method: clinical testing. Allele origin: germline.
Comment: This sequence change creates a premature translational stop signal (p.Tyr81*) in the CYP1B1 gene. It is expected to result in an absent or disrupted protein product. Loss-of-function variants in CYP1B1 are known to be pathogenic (PMID: 9097971, 9497261, 19234632). This variant is not present in population databases (gnomAD no frequency). This premature translational stop signal has been observed in individual(s) with congenital glaucoma (PMID: 17591938). For these reasons, this variant has been classified as Pathogenic.

Literature cited by the submitters: PubMed 9097971; PubMed 9497261; PubMed 19234632; PubMed 17591938.

NM_000104.4(CYP1B1):c.243del (p.Arg80_Tyr81insTer)

Gene: CYP1B1 (cytochrome P450 family 1 subfamily B member 1; minus strand). Cytogenetic location: 2p22.2.
Variant type: Deletion.
Coding change: c.243del on transcript NM_000104.4 (MANE Select); coding-DNA position 243, one base deleted (C; older notation c.243delC).
Protein change: p.Arg80_Tyr81insTer.
Molecular consequence: nonsense.
Genome position (GRCh38, 1-based): chr2:38,075,146, G deleted on the plus strand (C on the coding strand, the reverse complement: CYP1B1 is on the minus strand). VCF-style (leftmost placement, unchanged base first): chr2-38075145-CG-C. GRCh37 (hg19) VCF-style: chr2-38302288-CG-C.
Identifiers: ClinVar variation 2768652 (VCV002768652.3), dbSNP rs2465884698, ClinGen allele CA2697548006.